The following is an entry in ClinVar:

NM_002941.4(ROBO1):c.3095T>C (p.Leu1032Pro)

Gene: ROBO1 (roundabout guidance receptor 1; minus strand). Cytogenetic location: 3p12.3.
Variant type: single nucleotide variant.
Coding change: c.3095T>C on transcript NM_002941.4 (MANE Select); coding-DNA position 3095, T replaced by C.
Protein change: p.Leu1032Pro; replaces leucine 1032 with proline.
Molecular consequence: missense variant. On other transcripts: intron variant (1).
Genome position (GRCh38, 1-based): chr3:78,636,051, A>G on the plus strand (T>C on the coding strand, the complement: ROBO1 is on the minus strand). VCF-style: chr3-78636051-A-G. GRCh37 (hg19) VCF-style: chr3-78685201-A-G.
Other names: c.2960T>C, p.Leu987Pro (NM_133631.4); c.2903-108T>C (NM_001145845.2); short protein forms L1032P, L987P.
Identifiers: ClinVar variation 5020795 (VCV005020795.1).

ClinVar aggregate classification (germline): Uncertain significance (1 of 4 stars; one submission).

Submission:

Dasa
Classification: Uncertain significance. Last evaluated: 2025-11-17. Review status: criteria provided, single submitter. Criteria: DASA Assertion Criteria. Collection method: clinical testing. Allele origin: germline.
Comment: NM_002941.4(ROBO1):c.3095T>C (p.Leu1032Pro) is a missense variant that results in the substitution of leucine with proline. This variant is absent from population databases. The currently available literature and clinical evidence are not sufficient to establish a definitive association between this variant and the reported condition. Therefore, this variant is classified as a variant of uncertain significance.